The following is an entry in ClinVar:

NM_058004.4(PI4KA):c.4832G>T (p.Cys1611Phe)

Gene: PI4KA (phosphatidylinositol 4-kinase alpha; minus strand). Cytogenetic location: 22q11.21.
Variant type: single nucleotide variant.
Coding change: c.4832G>T on transcript NM_058004.4 (MANE Select); coding-DNA position 4832, G replaced by T.
Protein change: p.Cys1611Phe; replaces cysteine 1611 with phenylalanine.
Molecular consequence: missense variant.
Genome position (GRCh38, 1-based): chr22:20,727,339, C>A on the plus strand (G>T on the coding strand, the complement: PI4KA is on the minus strand). VCF-style: chr22-20727339-C-A. GRCh37 (hg19) VCF-style: chr22-21081627-C-A.
Other names: c.4739G>T, p.Cys1580Phe (NM_001362862.2); c.4766G>T, p.Cys1589Phe (NM_001362863.2); short protein forms C1589F, C1611F, C1580F.
Identifiers: ClinVar variation 4088050 (VCV004088050.1).

ClinVar aggregate classification (germline): Uncertain significance (1 of 4 stars; one submission).

gnomAD v4.1: 5 of 1,613,044 alleles (0.00031%); highest among the groups gnomAD compares: Admixed American, 0.0067%; no homozygotes.

Submission:

GeneDx
Classification: Uncertain significance. Last evaluated: 2025-03-27. Review status: criteria provided, single submitter. Criteria: GeneDx Variant Classification Process June 2021. Collection method: clinical testing. Allele origin: germline. Affected: yes.
Comment: In silico analysis supports that this missense variant has a deleterious effect on protein structure/function; Has not been previously published as pathogenic or benign to our knowledge